The following is an entry in ClinVar:

NM_001161403.3(LIMS2):c.704G>A (p.Arg235Gln)

Gene: LIMS2 (LIM zinc finger domain containing 2; minus strand). Cytogenetic location: 2q14.3.
Variant type: single nucleotide variant.
Coding change: c.704G>A on transcript NM_001161403.3 (MANE Select); coding-DNA position 704, G replaced by A.
Protein change: p.Arg235Gln; replaces arginine 235 with glutamine.
Molecular consequence: missense variant.
Genome position (GRCh38, 1-based): chr2:127,640,945, C>T on the plus strand (G>A on the coding strand, the complement: LIMS2 is on the minus strand). VCF-style: chr2-127640945-C-T. GRCh37 (hg19) VCF-style: chr2-128398520-C-T.
Other names: c.770G>A, p.Arg257Gln (NM_001136037.4); c.689G>A, p.Arg230Gln (NM_001161404.2); c.248G>A, p.Arg83Gln (NM_001161405.1, NM_001256542.2); c.776G>A, p.Arg259Gln (NM_017980.5); short protein forms R230Q, R235Q, R257Q, R259Q, R83Q.
Identifiers: ClinVar variation 2433441 (VCV002433441.6), dbSNP rs771996062, ClinGen allele CA1862922.

ClinVar aggregate classification (germline): Uncertain significance. Review status: criteria provided, multiple submitters, no conflicts (2 of 4 stars). 2 submissions from 2 submitters: Uncertain significance (2). Last evaluated 2024-07-06.

Conditions:
Autosomal recessive limb-girdle muscular dystrophy type 2W (MDRCMTT). Also called: Muscular dystrophy, limb-girdle, type 2W; Muscular dystrophy, autosomal recessive, with cardiomyopathy and triangular tongue. Identifiers: MedGen C4225192, MONDO:0014788, OMIM 616827.

Allele frequency attached by ClinVar (database versions not stated): gnomAD 0.00001; ExAC 0.00002; TOPMed 0.00003.
gnomAD v4.1: 49 of 1,613,846 alleles (0.003%); highest among the groups gnomAD compares: Admixed American, 0.005%; no homozygotes.

Submissions (2):

Labcorp Genetics (formerly Invitae), Labcorp
Classification: Uncertain significance for Autosomal recessive limb-girdle muscular dystrophy type 2W. Last evaluated: 2024-07-06. Review status: criteria provided, single submitter. Criteria: Invitae Variant Classification Sherloc (09022015). Collection method: clinical testing. Allele origin: germline.
Comment: This sequence change replaces arginine, which is basic and polar, with glutamine, which is neutral and polar, at codon 257 of the LIMS2 protein (p.Arg257Gln). This variant is present in population databases (rs771996062, gnomAD 0.01%). This variant has not been reported in the literature in individuals affected with LIMS2-related conditions. ClinVar contains an entry for this variant (Variation ID: 2433441). Advanced modeling of protein sequence and biophysical properties (such as structural, functional, and spatial information, amino acid conservation, physicochemical variation, residue mobility, and thermodynamic stability) performed at Invitae indicates that this missense variant is not expected to disrupt LIMS2 protein function with a negative predictive value of 80%. In summary, the available evidence is currently insufficient to determine the role of this variant in disease. Therefore, it has been classified as a Variant of Uncertain Significance.

Revvity Omics, Revvity
Classification: Uncertain significance for Autosomal recessive limb-girdle muscular dystrophy type 2W. Last evaluated: 2020-09-09. Review status: criteria provided, single submitter. Criteria: ACMG Guidelines, 2015. Collection method: clinical testing. Allele origin: germline.